The following is an entry in ClinVar:

ClinVar aggregate classification (germline): Uncertain significance (1 of 4 stars; one submission).

Conditions:
Hereditary cancer-predisposing syndrome. Also called: Hereditary Cancer Syndrome; Hereditary neoplastic syndrome; Neoplastic Syndromes, Hereditary; Tumor predisposition. Identifiers: Orphanet 140162, MedGen C0027672, MeSH D009386, MONDO:0015356.

Submission:

Ambry Genetics
Classification: Uncertain significance for Hereditary cancer-predisposing syndrome. Last evaluated: 2019-10-11. Review status: criteria provided, single submitter. Criteria: Ambry Autosomal Dominant and X-Linked criteria (3/2017). Collection method: clinical testing. Allele origin: germline. Observed: 1 variant allele.
Comment: The EX1_8dup gross duplication spans coding exons 1 through 8 in the APC gene; however, the exact breakpoints of the duplication were not determined. Gene duplications would be anticipated to disrupt gene function; however, it is unclear whether this duplication is disruptive to the APC gene. It is unknown if this duplication is located adjacent to the original APC gene, or if it is located elsewhere in the genome (Mazzarella R and Schlessinger D. Genome Res. 1998 Oct;8:1007-21). Since supporting evidence is limited at this time, the clinical significance of this alteration remains unclear.

NM_000038.5:c.(-19+1_c.-18-1)_(933+1_934-1)dup

Gene: APC (APC regulator of Wnt signaling pathway; plus strand).
Variant type: Duplication.
Identifiers: ClinVar variation 1065550 (VCV001065550.2).